The following is an entry in ClinVar:

ClinVar aggregate classification (germline): Uncertain significance (1 of 4 stars; one submission).

Conditions:
Malignant hyperthermia, susceptibility to, 1 (MHS1). Also called: Anesthesia related hyperthermia; Malignant hyperpyrexia; Fulminating hyperpyrexia; Pharmacogenic myopathy; RYR1-Related Malignant Hyperthermia Susceptibility; Malignant hyperthermia suceptibility 1. Identifiers: Orphanet 423, MedGen C2930980, MONDO:0007783, OMIM 145600.

gnomAD v4.1: 2 of 1,612,988 alleles (0.00012%); highest among the groups gnomAD compares: Non-Finnish European, 0.00017%; no homozygotes.

Submission:

All of Us Research Program, National Institutes of Health
Classification: Uncertain significance for Malignant hyperthermia, susceptibility to, 1. Last evaluated: 2023-11-30. Review status: criteria provided, single submitter. Criteria: ACMG Guidelines, 2015. Collection method: clinical testing. Allele origin: germline. Inheritance: Autosomal dominant inheritance. Observed: 1 variant allele, 1 heterozygote.
Comment: This study involves interpretation of variants in research participants for the purpose of population health screening. Participant phenotype was not available at the time of variant classification. Additional details can be found in publication PMID: 35346344, PMCID: PMC8962531

NM_000540.3(RYR1):c.2659G>C (p.Glu887Gln)

Gene: RYR1 (ryanodine receptor 1; plus strand). Cytogenetic location: 19q13.2.
Variant type: single nucleotide variant.
Coding change: c.2659G>C on transcript NM_000540.3 (MANE Select); coding-DNA position 2659, G replaced by C.
Protein change: p.Glu887Gln; replaces glutamic acid 887 with glutamine.
Molecular consequence: missense variant.
Genome position (GRCh38, 1-based): chr19:38,463,504, G>C. VCF-style: chr19-38463504-G-C. GRCh37 (hg19) VCF-style: chr19-38954144-G-C.
Other names: c.2659G>C, p.Glu887Gln (NM_001042723.2); short protein forms E887Q.
Identifiers: ClinVar variation 3073947 (VCV003073947.1), dbSNP rs766827383, ClinGen allele CA405632060.